The following is an entry in ClinVar:

ClinVar aggregate classification (germline): Uncertain significance (1 of 4 stars; one submission).

gnomAD v4.1: 1 of 1,613,300 alleles (0.000062%); highest among the groups gnomAD compares: Non-Finnish European, 0.000085%; no homozygotes.

Submission:

GeneDx
Classification: Uncertain significance. Last evaluated: 2024-11-01. Review status: criteria provided, single submitter. Criteria: GeneDx Variant Classification Process June 2021. Collection method: clinical testing. Allele origin: germline. Affected: yes.
Comment: Not observed at significant frequency in large population cohorts (gnomAD); In silico analysis indicates that this missense variant does not alter protein structure/function; Has not been previously published as pathogenic or benign to our knowledge

NM_003850.3(SUCLA2):c.807G>T (p.Leu269Phe)

Gene: SUCLA2 (succinate-CoA ligase ADP-forming subunit beta; minus strand). Cytogenetic location: 13q14.2.
Variant type: single nucleotide variant.
Coding change: c.807G>T on transcript NM_003850.3 (MANE Select); coding-DNA position 807, G replaced by T.
Protein change: p.Leu269Phe; replaces leucine 269 with phenylalanine.
Molecular consequence: missense variant.
Genome position (GRCh38, 1-based): chr13:47,954,553, C>A on the plus strand (G>T on the coding strand, the complement: SUCLA2 is on the minus strand). VCF-style: chr13-47954553-C-A. GRCh37 (hg19) VCF-style: chr13-48528688-C-A.
Other names: short protein forms L269F.
Identifiers: ClinVar variation 3897368 (VCV003897368.1).